The following is an entry in ClinVar:

NM_152594.3(SPRED1):c.527C>T (p.Ser176Phe)

Gene: SPRED1 (sprouty related EVH1 domain containing 1; plus strand). Cytogenetic location: 15q14.
Variant type: single nucleotide variant.
Coding change: c.527C>T on transcript NM_152594.3 (MANE Select); coding-DNA position 527, C replaced by T.
Protein change: p.Ser176Phe; replaces serine 176 with phenylalanine.
Molecular consequence: missense variant.
Genome position (GRCh38, 1-based): chr15:38,339,840, C>T. VCF-style: chr15-38339840-C-T. GRCh37 (hg19) VCF-style: chr15-38632041-C-T.
Other names: short protein forms S176F.
Identifiers: ClinVar variation 1371090 (VCV001371090.12), dbSNP rs1895995078, ClinGen allele CA391932627.

ClinVar aggregate classification (germline): Uncertain significance. Review status: criteria provided, multiple submitters, no conflicts (2 of 4 stars). 3 submissions from 3 submitters: Uncertain significance (3). Last evaluated 2025-07-02.

Conditions:
Cardiovascular phenotype. Identifiers: MedGen CN230736.
Legius syndrome. Identifiers: Orphanet 137605, MedGen C1969623, MONDO:0012669, OMIM 611431. Disease mechanism: loss of function.

Allele frequency attached by ClinVar (database versions not stated): gnomAD exomes 0.00001.

Submissions (3):

Labcorp Genetics (formerly Invitae), Labcorp
Classification: Uncertain significance for Legius syndrome. Last evaluated: 2025-07-02. Review status: criteria provided, single submitter. Criteria: Invitae Variant Classification Sherloc (09022015). Collection method: clinical testing. Allele origin: germline.
Comment: This sequence change replaces serine, which is neutral and polar, with phenylalanine, which is neutral and non-polar, at codon 176 of the SPRED1 protein (p.Ser176Phe). This variant is not present in population databases (gnomAD no frequency). This variant has not been reported in the literature in individuals affected with SPRED1-related conditions. ClinVar contains an entry for this variant (Variation ID: 1371090). Invitae Evidence Modeling of protein sequence and biophysical properties (such as structural, functional, and spatial information, amino acid conservation, physicochemical variation, residue mobility, and thermodynamic stability) indicates that this missense variant is not expected to disrupt SPRED1 protein function with a negative predictive value of 80%. In summary, the available evidence is currently insufficient to determine the role of this variant in disease. Therefore, it has been classified as a Variant of Uncertain Significance.

Ambry Genetics
Classification: Uncertain significance for Cardiovascular phenotype. Last evaluated: 2025-01-16. Review status: criteria provided, single submitter. Criteria: Ambry Variant Classification Scheme 2023. Collection method: clinical testing. Allele origin: germline.
Comment: The p.S176F variant (also known as c.527C>T), located in coding exon 5 of the SPRED1 gene, results from a C to T substitution at nucleotide position 527. The serine at codon 176 is replaced by phenylalanine, an amino acid with highly dissimilar properties. This amino acid position is conserved. In addition, this alteration is predicted to be tolerated by in silico analysis. Since supporting evidence is limited at this time, the clinical significance of this alteration remains unclear.

Women's Health and Genetics/Laboratory Corporation of America, LabCorp
Classification: Uncertain significance. Last evaluated: 2024-04-21. Review status: criteria provided, single submitter. Criteria: LabCorp Variant Classification Summary - May 2015. Collection method: clinical testing. Allele origin: germline.